The following is an entry in ClinVar:

NM_000083.3(CLCN1):c.1910T>A (p.Leu637Ter)

Gene: CLCN1 (chloride voltage-gated channel 1; plus strand). Cytogenetic location: 7q34.
Variant type: single nucleotide variant.
Coding change: c.1910T>A on transcript NM_000083.3 (MANE Select); coding-DNA position 1910, T replaced by A.
Protein change: p.Leu637Ter; replaces leucine 637 with a stop codon.
Molecular consequence: nonsense. On other transcripts: non-coding transcript variant (1).
Genome position (GRCh38, 1-based): chr7:143,342,485, T>A. VCF-style: chr7-143342485-T-A. GRCh37 (hg19) VCF-style: chr7-143039578-T-A.
Other names: short protein forms L637*.
Identifiers: ClinVar variation 1434202 (VCV001434202.6), dbSNP rs2116374801, ClinGen allele CA369648074.

ClinVar aggregate classification (germline): Pathogenic (1 of 4 stars; one submission).

Conditions:
Congenital myotonia, autosomal recessive form. Also called: BECKER DISEASE; Becker Generalized Myotonia; myotonia congenita, autosomal recessive. Identifiers: Orphanet 614, MedGen C0751360, MONDO:0009715, OMIM 255700.
Congenital myotonia, autosomal dominant form (THD). Also called: THOMSEN DISEASE; Myotonia congenita autosomal dominant. Identifiers: Orphanet 614, MedGen C2936781, MONDO:0008055, OMIM 160800.

Submission:

Labcorp Genetics (formerly Invitae), Labcorp
Classification: Pathogenic for Congenital myotonia, autosomal recessive form; Congenital myotonia, autosomal dominant form. Last evaluated: 2021-08-25. Review status: criteria provided, single submitter. Criteria: Invitae Variant Classification Sherloc (09022015). Collection method: clinical testing. Allele origin: germline.
Comment: This sequence change creates a premature translational stop signal (p.Leu637*) in the CLCN1 gene. It is expected to result in an absent or disrupted protein product. Loss-of-function variants in CLCN1 are known to be pathogenic (PMID: 17932099, 22094069, 23739125). This variant is not present in population databases (ExAC no frequency). This variant has not been reported in the literature in individuals affected with CLCN1-related conditions. For these reasons, this variant has been classified as Pathogenic.

Literature cited by the submitters: PubMed 17932099; PubMed 22094069; PubMed 23739125.